The following is an entry in ClinVar:

NM_182961.4(SYNE1):c.24983A>G (p.His8328Arg)

Gene: SYNE1 (spectrin repeat containing nuclear envelope protein 1; minus strand). Cytogenetic location: 6q25.2.
Variant type: single nucleotide variant.
Coding change: c.24983A>G on transcript NM_182961.4 (MANE Select); coding-DNA position 24983, A replaced by G.
Protein change: p.His8328Arg; replaces histidine 8328 with arginine.
Molecular consequence: missense variant.
Genome position (GRCh38, 1-based): chr6:152,143,759, T>C on the plus strand (A>G on the coding strand, the complement: SYNE1 is on the minus strand). VCF-style: chr6-152143759-T-C. GRCh37 (hg19) VCF-style: chr6-152464894-T-C.
Other names: c.1589A>G, p.His530Arg (NM_001347701.2); c.1517A>G, p.His506Arg (NM_001347702.2); c.24839A>G, p.His8280Arg (NM_033071.5); short protein forms H8328R, H530R, H506R, H8280R.
Identifiers: ClinVar variation 1513252 (VCV001513252.6), dbSNP rs1239507497, ClinGen allele CA366083356.

ClinVar aggregate classification (germline): Uncertain significance (1 of 4 stars; one submission).

Conditions:
Emery-Dreifuss muscular dystrophy 4, autosomal dominant (EDMD4). Also called: EMERY-DREIFUSS MUSCULAR DYSTROPHY 4 WITH VARIABLE FEATURES. Identifiers: Orphanet 261, MedGen C2751807, MONDO:0013071, OMIM 612998.
Autosomal recessive ataxia, Beauce type. Also called: Spinocerebellar ataxia, autosomal recessive 8; ATAXIA, RECESSIVE, OF BEAUCE; SYNE1 Deficiency; SYNE1-Related Autosomal Recessive Cerebellar Ataxia. Identifiers: Orphanet 88644, MedGen C1853116, MONDO:0012549, OMIM 610743.

Allele frequency attached by ClinVar (database versions not stated): gnomAD exomes 0.00001 and 0.00002; TOPMed 0.00001; gnomAD 0.00001.
gnomAD v4.1: 30 of 1,614,090 alleles (0.0019%); highest among the groups gnomAD compares: Non-Finnish European, 0.0021%; no homozygotes.

Submission:

Labcorp Genetics (formerly Invitae), Labcorp
Classification: Uncertain significance for Emery-Dreifuss muscular dystrophy 4, autosomal dominant; Autosomal recessive ataxia, Beauce type. Last evaluated: 2022-06-27. Review status: criteria provided, single submitter. Criteria: Invitae Variant Classification Sherloc (09022015). Collection method: clinical testing. Allele origin: germline.
Comment: This sequence change replaces histidine, which is basic and polar, with arginine, which is basic and polar, at codon 8280 of the SYNE1 protein (p.His8280Arg). This variant is present in population databases (no rsID available, gnomAD 0.002%). This variant has not been reported in the literature in individuals affected with SYNE1-related conditions. Algorithms developed to predict the effect of missense changes on protein structure and function output the following: SIFT: "Tolerated"; PolyPhen-2: "Benign"; Align-GVGD: "Class C0". The arginine amino acid residue is found in multiple mammalian species, which suggests that this missense change does not adversely affect protein function. In summary, the available evidence is currently insufficient to determine the role of this variant in disease. Therefore, it has been classified as a Variant of Uncertain Significance.